The following is an entry in ClinVar:

NM_001164508.2(NEB):c.8381A>T (p.Tyr2794Phe)

Gene: NEB (nebulin; minus strand). Cytogenetic location: 2q23.3.
Variant type: single nucleotide variant.
Coding change: c.8381A>T on transcript NM_001164508.2 (MANE Select); coding-DNA position 8381, A replaced by T.
Protein change: p.Tyr2794Phe; replaces tyrosine 2794 with phenylalanine.
Molecular consequence: missense variant.
Genome position (GRCh38, 1-based): chr2:151,640,659, T>A on the plus strand (A>T on the coding strand, the complement: NEB is on the minus strand). VCF-style: chr2-151640659-T-A. GRCh37 (hg19) VCF-style: chr2-152497173-T-A.
Other names: NM_001164508.2(NEB):c.8381A>T; p.Tyr2794Phe; c.8381A>T, p.Tyr2794Phe (NM_001164507.2, NM_001271208.2, NM_004543.5); short protein forms Y2794F.
Identifiers: ClinVar variation 654638 (VCV000654638.23), dbSNP rs750548574, ClinGen allele CA1909597.
Genomic context (GRCh38, chr2:151,640,659, plus strand): 5'-TCATCACGTATAGCTCGGGCACCAATGTGGTGGCCGAGCTGCTTACGATAGCCTTCTTTG[T>A]ACTTGAACTAAAAGAAGAAAAAGACAGATAGTCATCTGTTTTAACTTTTAGTAAAAAGCA-3'
Protein context (NP_001157980.2, residues 2784-2804): ASRDIASEFK[Tyr2794Phe]KEGYRKQLGH

ClinVar aggregate classification (germline): Pathogenic/Likely pathogenic. Review status: criteria provided, multiple submitters, no conflicts (2 of 4 stars). 8 submissions from 8 submitters: Pathogenic (1); Likely pathogenic (5). 2 of the submissions do not count toward it. Last evaluated 2026-01-20.

Conditions:
Arthrogryposis multiplex congenita 6. Identifiers: MedGen C5543431, MONDO:0030281, OMIM 619334.
Nemaline myopathy 2 (NEM2). Also called: Nemaline myopathy 2, autosomal recessive. Identifiers: MedGen C1850569, MONDO:0009725, OMIM 256030.
Nemaline myopathy. Also called: Myopathies, Nemaline. Identifiers: Orphanet 607, MedGen C0206157, MONDO:0018958.

Allele frequency attached by ClinVar (database versions not stated): gnomAD 0.00001; ExAC 0.00002; gnomAD exomes 0.00002 and 0.00013; TOPMed 0.00002.
gnomAD v4.1: 182 of 1,607,658 alleles (0.011%); highest among the groups gnomAD compares: Middle Eastern, 0.017%; no homozygotes.

Submissions (8):

Natera, Inc.
Classification: Likely pathogenic for Nemaline myopathy type 2. Last evaluated: 2026-01-20. Review status: criteria provided, single submitter. Criteria: Natera Variant Classification Schema (03/2026). Collection method: clinical testing. Allele origin: germline.
Comment: The c.8381A>T variant in NEB is a missense variant predicted to cause substitution of tyrosine to phenylalanine at amino acid 2794. This variant is rare in the general population with a frequency below the threshold expected for the associated phenotype(s). This variant has been observed in one or more individuals affected with the associated recessive disease, as either homozygous or compound heterozygous with a second variant (PMID: 32153140, 40661861). Computational prediction algorithms indicate this variant is likely to affect gene or protein function. Given the available evidence, this variant is classified as Likely Pathogenic.

Labcorp Genetics (formerly Invitae), Labcorp
Classification: Pathogenic for Nemaline myopathy 2. Last evaluated: 2026-01-16. Review status: criteria provided, single submitter. Criteria: Invitae Variant Classification Sherloc (09022015). Collection method: clinical testing. Allele origin: germline.
Comment: This sequence change replaces tyrosine, which is neutral and polar, with phenylalanine, which is neutral and non-polar, at codon 2794 of the NEB protein (p.Tyr2794Phe). This variant is present in population databases (rs750548574, gnomAD 0.004%). This missense change has been observed in individual(s) with nemaline myopathy (PMID: 25205138; internal data). In at least one individual the data is consistent with being in trans (on the opposite chromosome) from a pathogenic variant. ClinVar contains an entry for this variant (Variation ID: 654638). Experimental studies and prediction algorithms are not available or were not evaluated, and the functional significance of this variant is currently unknown. For these reasons, this variant has been classified as Pathogenic.

Women's Health and Genetics/Laboratory Corporation of America, LabCorp
Classification: Likely pathogenic for Nemaline myopathy. Last evaluated: 2025-04-21. Review status: criteria provided, single submitter. Criteria: LabCorp Variant Classification Summary - May 2015. Collection method: clinical testing. Allele origin: germline.
Comment: Variant summary: NEB c.8381A>T (p.Tyr2794Phe) results in a conservative amino acid change in the encoded protein sequence. Four of five in-silico tools predict a damaging effect of the variant on protein function. The variant allele was found at a frequency of 1.6e-05 in 247004 control chromosomes. c.8381A>T has been observed as a biallelic genotype in individual(s) affected with Nemaline Myopathy 2 (example, Lehtokari_2014, Beecroft_2020, internal testing). These data indicate that the variant is likely to be associated with disease. To our knowledge, no experimental evidence demonstrating an impact on protein function has been reported. The following publications have been ascertained in the context of this evaluation (PMID: 32153140, 34440373, 25205138). ClinVar contains an entry for this variant (Variation ID: 654638). Based on the evidence outlined above, the variant was classified as likely pathogenic.

Baylor Genetics
Classification: Likely pathogenic for Arthrogryposis multiplex congenita 6. Last evaluated: 2024-03-19. Review status: criteria provided, single submitter. Criteria: ACMG Guidelines, 2015. Collection method: clinical testing. Allele origin: unknown.

GeneDx
Classification: Likely pathogenic. Last evaluated: 2024-03-11. Review status: criteria provided, single submitter. Criteria: GeneDx Variant Classification Process June 2021. Collection method: clinical testing. Allele origin: germline. Affected: yes.
Comment: Not observed at significant frequency in large population cohorts (gnomAD); In silico analysis supports that this missense variant does not alter protein structure/function; This variant is associated with the following publications: (PMID: Kiiski2015[thesis], 25205138)

Revvity Omics, Revvity
Classification: Likely pathogenic. Last evaluated: 2024-03-04. Review status: criteria provided, single submitter. Criteria: ACMG Guidelines, 2015. Collection method: clinical testing. Allele origin: germline.

Broad Center for Mendelian Genomics, Broad Institute of MIT and Harvard
Classification: Uncertain significance for Nemaline myopathy. Last evaluated: 2025-03-17. Review status: flagged submission. Criteria: ACMG Guidelines, 2015. Collection method: curation. Allele origin: germline. Inheritance: Autosomal recessive inheritance. Not counted in ClinVar's aggregate classification.
Comment: The p.Tyr2794Phe variant in NEB has been reported in two individuals with nemaline myopathy (PMID: 25205138) and has been identified in 0.015% (175/1175566) of European (non-Finnish) chromosomes by the Genome Aggregation Database (gnomAD; dbSNP ID: rs750548574). Although this variant has been seen in the general population in a heterozygous state, its frequency is low enough to be consistent with a recessive carrier frequency. Of the 2 affected individuals, both were compound heterozygotes that carried a reported likely pathogenic variants with unknown phase, which increases the likelihood that the p.Tyr2794Phe variant is pathogenic (Variation ID: 555780; PMID: 25205138). This variant has also been reported in ClinVar (Variation ID: 654638) and has been interpreted as pathogenic by Invitae and as a variant of uncertain significance by Natera Inc., PerkinElmer Genomics, Fulgent Genetics, and Women's Health and Genetics/Laboratory Corporation of America. Computational prediction tools and conservation analyses suggest that this variant may impact the protein, though this information is not predictive enough to determine pathogenicity. In summary, while there is some suspicion for a pathogenic role, the clinical significance of this variant is uncertain. ACMG/AMP Criteria applied: PP3_moderate, PM2_supporting, PM3_supporting (Richards 2015).
ClinVar note: Reason: Outlier claim with insufficient supporting evidence

Fulgent Genetics
Classification: Uncertain significance for Nemaline myopathy 2; Arthrogryposis multiplex congenita 6. Last evaluated: 2021-09-24. Review status: flagged submission. Criteria: ACMG Guidelines, 2015. Collection method: clinical testing. Allele origin: unknown. Not counted in ClinVar's aggregate classification.
ClinVar note: Reason: Outlier claim with insufficient supporting evidence

Literature cited by the submitters: PubMed 32153140 (cited by Natera, Inc. and Women's Health and Genetics/Laboratory Corporation of America, LabCorp); PubMed 40661861 (cited by Natera, Inc.); PubMed 25205138 (cited by Labcorp Genetics (formerly Invitae), Labcorp and Women's Health and Genetics/Laboratory Corporation of America, LabCorp); PubMed 34440373 (cited by Women's Health and Genetics/Laboratory Corporation of America, LabCorp).